The following is an entry in ClinVar:

ClinVar aggregate classification (germline): Uncertain significance (1 of 4 stars; one submission).

gnomAD v4.1: 2 of 1,614,178 alleles (0.00012%); highest among the groups gnomAD compares: Non-Finnish European, 0.00017%; no homozygotes.

Submission:

Mayo Clinic Laboratories, Mayo Clinic
Classification: Uncertain significance. Last evaluated: 2025-07-08. Review status: criteria provided, single submitter. Criteria: ACMG Guidelines, 2015. Collection method: clinical testing. Allele origin: germline. Observed: 1 variant allele.
Comment: PP2, PM2_supporting

NM_000435.3(NOTCH3):c.5518G>A (p.Glu1840Lys)

Gene: NOTCH3 (notch receptor 3; minus strand). Cytogenetic location: 19p13.12.
Variant type: single nucleotide variant.
Coding change: c.5518G>A on transcript NM_000435.3 (MANE Select); coding-DNA position 5518, G replaced by A.
Protein change: p.Glu1840Lys; replaces glutamic acid 1840 with lysine.
Molecular consequence: missense variant.
Genome position (GRCh38, 1-based): chr19:15,165,936, C>T on the plus strand (G>A on the coding strand, the complement: NOTCH3 is on the minus strand). VCF-style: chr19-15165936-C-T. GRCh37 (hg19) VCF-style: chr19-15276747-C-T.
Other names: p.Glu1840Lys; short protein forms E1840K.
Identifiers: ClinVar variation 4542315 (VCV004542315.1).
Genomic context (GRCh38, chr19:15,165,936, plus strand): 5'-CCAGCAGCCGCTTGGCTGCATCAGCACGGGCATAACGGGCAGCCAGGTGCAAAGCAGTCT[C>T]GCCAGTACGGTCAGTCCGTGCCCCAAGCTGAGCCCCCTGGCAGATCAGGTCGGAGATGAT-3'
Protein context (NP_000426.2, residues 1830-1850): QLGARTDRTG[Glu1840Lys]TALHLAARYA